The following is an entry in ClinVar:

NM_001009944.3(PKD1):c.5210C>T (p.Thr1737Ile)

Gene: PKD1 (polycystin 1, transient receptor potential channel interacting; minus strand). Cytogenetic location: 16p13.3.
Variant type: single nucleotide variant.
Coding change: c.5210C>T on transcript NM_001009944.3 (MANE Select); coding-DNA position 5210, C replaced by T.
Protein change: p.Thr1737Ile; replaces threonine 1737 with isoleucine.
Molecular consequence: missense variant.
Genome position (GRCh38, 1-based): chr16:2,109,957, G>A on the plus strand (C>T on the coding strand, the complement: PKD1 is on the minus strand). VCF-style: chr16-2109957-G-A. GRCh37 (hg19) VCF-style: chr16-2159958-G-A.
Other names: c.5210C>T, p.Thr1737Ile (NM_000296.4); short protein forms T1737I.
Identifiers: ClinVar variation 2499255 (VCV002499255.2), dbSNP rs773343118, ClinGen allele CA7832077.
Genomic context (GRCh38, chr16:2,109,957, plus strand): 5'-CCCTCCTCCAAGGACCAAGTGTATACGACACCACTGCCACCAGCCAGCTCGGCACTGAGG[G>A]TGACGCTTGTGTTGACGGCAGCTGGGTTCGGGGAGGCGGCCACCATCAGCCACCCCACAG-3'
Protein context (NP_001009944.3, residues 1727-1747): PNPAAVNTSV[Thr1737Ile]LSAELAGGSG

ClinVar aggregate classification (germline): Uncertain significance. Review status: criteria provided, multiple submitters, no conflicts (2 of 4 stars). 2 submissions from 2 submitters: Uncertain significance (2). Last evaluated 2024-06-06.

Conditions:
Polycystic kidney disease, adult type (PKD1). Also called: Polycystic Kidney Disease 1, Autosomal Dominant; Polycystic kidney disease 1; Polycystic kidney disease 1, severe; Polycystic Kidney, Autosomal Dominant; POLYCYSTIC KIDNEY DISEASE, ADULT, TYPE I; POLYCYSTIC KIDNEY DISEASE 1 WITH OR WITHOUT POLYCYSTIC LIVER DISEASE. Identifiers: MedGen C3149841, MONDO:0008263, OMIM 173900.

Allele frequency attached by ClinVar (database versions not stated): gnomAD exomes 0.00001; ExAC 0.00002; gnomAD 0.00002; TOPMed 0.00002.
gnomAD v4.1: 8 of 1,609,908 alleles (0.0005%); highest among the groups gnomAD compares: African/African-American, 0.0053%; no homozygotes.

Submissions (2):

Fulgent Genetics
Classification: Uncertain significance for Polycystic kidney disease, adult type. Last evaluated: 2024-06-06. Review status: criteria provided, single submitter. Criteria: ACMG Guidelines, 2015. Collection method: clinical testing. Allele origin: germline.

GeneDx
Classification: Uncertain significance. Last evaluated: 2022-10-17. Review status: criteria provided, single submitter. Criteria: GeneDx Variant Classification Process June 2021. Collection method: clinical testing. Allele origin: germline. Affected: yes.
Comment: In silico analysis supports that this missense variant has a deleterious effect on protein structure/function; Has not been previously published as pathogenic or benign to our knowledge